The following is an entry in ClinVar:

NM_001408.3(CELSR2):c.7464C>T (p.Gly2488=)

Gene: CELSR2 (cadherin EGF LAG seven-pass G-type receptor 2; plus strand). Cytogenetic location: 1p13.3.
Variant type: single nucleotide variant.
Coding change: c.7464C>T on transcript NM_001408.3 (MANE Select); coding-DNA position 7464, C replaced by T.
Protein change: p.Gly2488=; no amino-acid change (glycine 2488 retained).
Molecular consequence: synonymous variant.
Genome position (GRCh38, 1-based): chr1:109,270,581, C>T. VCF-style: chr1-109270581-C-T. GRCh37 (hg19) VCF-style: chr1-109813203-C-T.
Other names: c.7464C>T (NM_001408.2).
Identifiers: ClinVar variation 2714126 (VCV002714126.6), dbSNP rs140655472, ClinGen allele CA988243.

ClinVar aggregate classification (germline): Likely benign. Review status: criteria provided, single submitter (1 of 4 stars). 2 submissions from 2 submitters: Likely benign (1). 1 of the submissions does not count toward it. Last evaluated 2023-01-19.

Conditions:
CELSR2-related disorder. Also called: CELSR2-related condition.

Allele frequency attached by ClinVar (database versions not stated): ExAC 0.00011; gnomAD 0.00012; TOPMed 0.00015; ESP Exome Variant Server 0.00031.
gnomAD v4.1: 364 of 1,613,928 alleles (0.023%); highest among the groups gnomAD compares: Non-Finnish European, 0.028%; no homozygotes.

Submissions (5):

Labcorp Genetics (formerly Invitae), Labcorp
Classification: Likely benign. Last evaluated: 2023-01-19. Review status: criteria provided, single submitter. Criteria: Invitae Variant Classification Sherloc (09022015). Collection method: clinical testing. Allele origin: germline.

PreventionGenetics, part of Exact Sciences
Classification: Likely benign for CELSR2-related condition. Last evaluated: 2019-05-02. Review status: no assertion criteria provided. Collection method: clinical testing. Allele origin: germline. Not counted in ClinVar's aggregate classification.
Comment: This variant is classified as likely benign based on ACMG/AMP sequence variant interpretation guidelines (Richards et al. 2015 PMID: 25741868, with internal and published modifications).

Dr. Peter K. Rogan Lab, Western University
No classification provided (evidence only). Condition: Lung cancer. Review status: no classification provided. Collection method: in vitro. Allele origin: not applicable. Functional consequence: retained intron. Not counted in ClinVar's aggregate classification.

Dr. Peter K. Rogan Lab, Western University
No classification provided (evidence only). Condition: Lung cancer. Review status: no classification provided. Collection method: in vitro. Allele origin: not applicable. Functional consequence: skipped exon, retained intron. Not counted in ClinVar's aggregate classification.

Dr. Peter K. Rogan Lab, Western University
No classification provided (evidence only). Condition: Ovarian serous cystadenocarcinoma. Review status: no classification provided. Collection method: in vitro. Allele origin: not applicable. Functional consequence: retained intron. Not counted in ClinVar's aggregate classification.